The following is an entry in ClinVar:

NM_030777.4(SLC2A10):c.*410A>C

Gene: SLC2A10 (solute carrier family 2 member 10; plus strand). Cytogenetic location: 20q13.12.
Variant type: single nucleotide variant.
Coding change: c.*410A>C on transcript NM_030777.4 (MANE Select); 410 bases downstream of the stop codon, A replaced by C.
Molecular consequence: 3 prime UTR variant.
Genome position (GRCh38, 1-based): chr20:46,734,244, A>C. VCF-style: chr20-46734244-A-C. GRCh37 (hg19) VCF-style: chr20-45362883-A-C.
Identifiers: ClinVar variation 896370 (VCV000896370.4), dbSNP rs146660985, ClinGen allele CA315761283.

ClinVar aggregate classification (germline): Likely benign (1 of 4 stars; one submission).

Conditions:
Arterial tortuosity syndrome (ATORS). Identifiers: Orphanet 3342, MedGen C1859726, MONDO:0008818, OMIM 208050.

Allele frequency attached by ClinVar (database versions not stated): gnomAD 0.00039 and 0.00058; TOPMed 0.00092; gnomAD exomes 0.00107; 1000 Genomes Project 30x 0.00203; 1000 Genomes Project 0.00220.
gnomAD v4.1: 159 of 221,236 alleles (0.072%); highest among the groups gnomAD compares: East Asian, 1.8%; 2 homozygotes.

Submission:

Illumina Laboratory Services, Illumina
Classification: Likely benign for Arterial tortuosity syndrome. Last evaluated: 2018-01-12. Review status: criteria provided, single submitter. Criteria: ICSL Variant Classification Criteria 13 December 2019. Collection method: clinical testing. Allele origin: germline.
Comment: This variant was observed in the ICSL laboratory as part of a predisposition screen in an ostensibly healthy population. It had not been previously curated by ICSL or reported in the Human Gene Mutation Database (HGMD: prior to June 1st, 2018), and was therefore a candidate for classification through an automated scoring system. Utilizing variant allele frequency, disease prevalence and penetrance estimates, and inheritance mode, an automated score was calculated to assess if this variant is too frequent to cause the disease. Based on the score and internal cut-off values, a variant classified as likely benign is not then subjected to further curation. The score for this variant resulted in a classification of likely benign for this disease.